The following is an entry in ClinVar:

ClinVar aggregate classification (germline): Conflicting classifications of pathogenicity. Review status: criteria provided, conflicting classifications (1 of 4 stars). 8 submissions from 8 submitters: Uncertain significance (1); Benign (1); Likely benign (4). 2 of the submissions do not count toward it. Last evaluated 2026-02-02.

Conditions:
Fanconi anemia (FA). Also called: Fanconi's anemia. Identifiers: Orphanet 84, MedGen C0015625, MeSH D005199, MONDO:0019391.
Fanconi anemia complementation group A (FANCA). Also called: Fanconi anemia, group A; FANCA-Related Fanconi Anemia. Identifiers: Orphanet 84, MedGen C3469521, MONDO:0009215, OMIM 227650.
FANCA-related disorder. Also called: FANCA-related condition.

Allele frequency attached by ClinVar (database versions not stated): gnomAD exomes 0.00005 and 0.00026; gnomAD 0.00008 and 0.00012; ExAC 0.00015; TOPMed 0.00015.
gnomAD v4.1: 146 of 1,551,002 alleles (0.0094%); highest among the groups gnomAD compares: East Asian, 0.18%; 3 homozygotes.

Submissions (8):

Labcorp Genetics (formerly Invitae), Labcorp
Classification: Benign for Fanconi anemia. Last evaluated: 2026-02-02. Review status: criteria provided, single submitter. Criteria: Invitae Variant Classification Sherloc (09022015). Collection method: clinical testing. Allele origin: germline.

Blueprint Genetics
Classification: Likely benign. Last evaluated: 2024-11-25. Review status: criteria provided, single submitter. Criteria: ACMG Guidelines, 2015. Collection method: clinical testing. Allele origin: germline.

Quest Diagnostics Nichols Institute San Juan Capistrano
Classification: Likely benign. Last evaluated: 2022-07-18. Review status: criteria provided, single submitter. Criteria: Quest Diagnostics criteria. Collection method: clinical testing. Allele origin: unknown.

Mayo Clinic Laboratories, Mayo Clinic
Classification: Uncertain significance. Last evaluated: 2021-04-06. Review status: criteria provided, single submitter. Criteria: ACMG Guidelines, 2015. Collection method: clinical testing. Allele origin: germline.

Genetic Services Laboratory, University of Chicago
Classification: Likely benign. Last evaluated: 2019-09-24. Review status: criteria provided, single submitter. Criteria: ACMG Guidelines, 2015. Collection method: clinical testing. Allele origin: germline. Affected: no.

Illumina Laboratory Services, Illumina
Classification: Likely benign for Fanconi anemia complementation group A. Last evaluated: 2018-01-13. Review status: criteria provided, single submitter. Criteria: ICSL Variant Classification Criteria 13 December 2019. Collection method: clinical testing. Allele origin: germline.
Comment: This variant was observed in the ICSL laboratory as part of a predisposition screen in an ostensibly healthy population. It had not been previously curated by ICSL or reported in the Human Gene Mutation Database (HGMD: prior to June 1st, 2018), and was therefore a candidate for classification through an automated scoring system. Utilizing variant allele frequency, disease prevalence and penetrance estimates, and inheritance mode, an automated score was calculated to assess if this variant is too frequent to cause the disease. Based on the score and internal cut-off values, a variant classified as likely benign is not then subjected to further curation. The score for this variant resulted in a classification of likely benign for this disease.

PreventionGenetics, part of Exact Sciences
Classification: Likely benign for FANCA-related condition. Last evaluated: 2022-02-03. Review status: no assertion criteria provided. Collection method: clinical testing. Allele origin: germline. Not counted in ClinVar's aggregate classification.
Comment: This variant is classified as likely benign based on ACMG/AMP sequence variant interpretation guidelines (Richards et al. 2015 PMID: 25741868, with internal and published modifications).

Natera, Inc.
Classification: Likely benign for Fanconi anemia, group A. Last evaluated: 2019-12-24. Review status: no assertion criteria provided. Collection method: clinical testing. Allele origin: germline. Not counted in ClinVar's aggregate classification.

NM_000135.4(FANCA):c.3935-6T>C

Genes: FANCA (FA complementation group A; minus strand), ZNF276 (zinc finger protein 276; plus strand). Cytogenetic location: 16q24.3.
Variant type: single nucleotide variant.
Coding change: c.3935-6T>C on transcript NM_000135.4 (MANE Select); 6 bases into the intron before coding-DNA position 3935, T replaced by C.
Molecular consequence: intron variant. On other transcripts: 3 prime UTR variant (2), non-coding transcript variant (4).
Genome position (GRCh38, 1-based): chr16:89,739,559, A>G on the plus strand (T>C on the coding strand, the complement: FANCA is on the minus strand). VCF-style: chr16-89739559-A-G. GRCh37 (hg19) VCF-style: chr16-89805967-A-G.
Other names: c.3935-6T>C (NM_000135.3, NM_001286167.3); c.*1313A>G (NM_001113525.2, NM_152287.4).
Identifiers: ClinVar variation 321330 (VCV000321330.31), dbSNP rs368376237, ClinGen allele CA8250856.